The following is an entry in ClinVar:

NM_201384.3(PLEC):c.9592C>T (p.Arg3198Trp)

Gene: PLEC (plectin; minus strand). Cytogenetic location: 8q24.3.
Variant type: single nucleotide variant.
Coding change: c.9592C>T on transcript NM_201384.3 (MANE Select); coding-DNA position 9592, C replaced by T.
Protein change: p.Arg3198Trp; replaces arginine 3198 with tryptophan.
Molecular consequence: missense variant.
Genome position (GRCh38, 1-based): chr8:143,920,229, G>A on the plus strand (C>T on the coding strand, the complement: PLEC is on the minus strand). VCF-style: chr8-143920229-G-A. GRCh37 (hg19) VCF-style: chr8-144994397-G-A.
Other names: c.9673C>T, p.Arg3225Trp (NM_000445.5); c.9550C>T, p.Arg3184Trp (NM_201378.4); c.9526C>T, p.Arg3176Trp (NM_201379.3); c.10003C>T, p.Arg3335Trp (NM_201380.4); c.9496C>T, p.Arg3166Trp (NM_201381.3); c.9592C>T, p.Arg3198Trp (NM_201382.4); c.9604C>T, p.Arg3202Trp (NM_201383.3); c.9673C>T (NM_000445.3); short protein forms R3184W, R3202W, R3225W, R3166W, R3198W, R3176W, R3335W.
Identifiers: ClinVar variation 1372998 (VCV001372998.9), dbSNP rs781964620, ClinGen allele CA4924920.

ClinVar aggregate classification (germline): Uncertain significance. Review status: criteria provided, multiple submitters, no conflicts (2 of 4 stars). 3 submissions from 3 submitters: Uncertain significance (3). Last evaluated 2025-07-16.

Conditions:
Epidermolysis bullosa simplex 5C, with pyloric atresia (EBS5C). Also called: PLEC-Related Epidermolysis Bullosa with Pyloric Atresia; Epidermolysis bullosa simplex with pyloric atresia; PLEC1-Related Epidermolysis Bullosa with Pyloric Atresia. Identifiers: Orphanet 158684, MedGen C2677349, MONDO:0012807, OMIM 612138.
Epidermolysis bullosa simplex 5B, with muscular dystrophy (EBS5B). Also called: EPIDERMOLYSIS BULLOSA SIMPLEX AND LIMB-GIRDLE MUSCULAR DYSTROPHY; Epidermolysis bullosa simplex with muscular dystrophy. Identifiers: Orphanet 257, MedGen C2931072, MONDO:0009181, OMIM 226670.
Epidermolysis bullosa simplex, Ogna type (EBS5A). Also called: Pidermolysis bullosa simplex 5A, Ogna type; EPIDERMOLYSIS BULLOSA SIMPLEX 5A, OGNA TYPE. Identifiers: Orphanet 79401, MedGen C0432317, MONDO:0007555, OMIM 131950.
Autosomal recessive limb-girdle muscular dystrophy type 2Q (LGMDR17). Also called: MUSCULAR DYSTROPHY, LIMB-GIRDLE, AUTOSOMAL RECESSIVE 17. Identifiers: Orphanet 254361, MedGen C3150989, MONDO:0013390, OMIM 613723.
Epidermolysis bullosa simplex with nail dystrophy (EBS5D). Identifiers: MedGen C4225309, MONDO:0014661, OMIM 616487.

Allele frequency attached by ClinVar (database versions not stated): gnomAD 0.00001; gnomAD exomes 0.00001 and 0.00002; TOPMed 0.00001; ExAC 0.00004; 1000 Genomes Project 30x 0.00016.
gnomAD v4.1: 11 of 1,604,306 alleles (0.00069%); highest among the groups gnomAD compares: East Asian, 0.0045%; no homozygotes.

Submissions (3):

Labcorp Genetics (formerly Invitae), Labcorp
Classification: Uncertain significance for Autosomal recessive limb-girdle muscular dystrophy type 2Q; Epidermolysis bullosa simplex, Ogna type; Epidermolysis bullosa simplex with nail dystrophy; Epidermolysis bullosa simplex 5C, with pyloric atresia; Epidermolysis bullosa simplex 5B, with muscular dystrophy. Last evaluated: 2025-07-16. Review status: criteria provided, single submitter. Criteria: Invitae Variant Classification Sherloc (09022015). Collection method: clinical testing. Allele origin: germline.
Comment: This sequence change replaces arginine, which is basic and polar, with tryptophan, which is neutral and slightly polar, at codon 3225 of the PLEC protein (p.Arg3225Trp). This variant is present in population databases (rs781964620, gnomAD 0.005%). This variant has not been reported in the literature in individuals affected with PLEC-related conditions. ClinVar contains an entry for this variant (Variation ID: 1372998). An algorithm developed to predict the effect of missense changes on protein structure and function (PolyPhen-2) suggests that this variant is likely to be disruptive. In summary, the available evidence is currently insufficient to determine the role of this variant in disease. Therefore, it has been classified as a Variant of Uncertain Significance.

GeneDx
Classification: Uncertain significance. Last evaluated: 2024-07-11. Review status: criteria provided, single submitter. Criteria: GeneDx Variant Classification Process June 2021. Collection method: clinical testing. Allele origin: germline. Affected: yes.
Comment: Not observed at significant frequency in large population cohorts (gnomAD); In silico analysis supports that this missense variant has a deleterious effect on protein structure/function; Missense variant in a gene in which most reported pathogenic variants are truncating/loss of function; Has not been previously published as pathogenic or benign to our knowledge

Revvity Omics, Revvity
Classification: Uncertain significance. Last evaluated: 2021-06-27. Review status: criteria provided, single submitter. Criteria: ACMG Guidelines, 2015. Collection method: clinical testing. Allele origin: germline.